The following is an entry in ClinVar:

ClinVar aggregate classification (germline): Uncertain significance. Review status: criteria provided, multiple submitters, no conflicts (2 of 4 stars). 2 submissions from 2 submitters: Uncertain significance (2). Last evaluated 2023-10-16.

Conditions:
Dyskeratosis congenita, autosomal dominant 1 (DKCA1). Also called: Dyskeratosis congenita Scoggins type. Identifiers: Orphanet 1775, MedGen C4551974, MONDO:0007485, OMIM 127550. Inheritance: Variable.

Allele frequency attached by ClinVar (database versions not stated): gnomAD 0.00001; TOPMed 0.00001; gnomAD exomes 0.00003; ExAC 0.00011.
gnomAD v4.1: 18 of 734,620 alleles (0.0025%); highest among the groups gnomAD compares: Non-Finnish European, 0.004%; no homozygotes.

Submissions (2):

Labcorp Genetics (formerly Invitae), Labcorp
Classification: Uncertain significance for Dyskeratosis congenita, autosomal dominant 1. Last evaluated: 2023-10-16. Review status: criteria provided, single submitter. Criteria: Invitae Variant Classification Sherloc (09022015). Collection method: clinical testing. Allele origin: germline.
Comment: This variant occurs in the TERC gene, which encodes an RNA molecule that does not result in a protein product. This variant is present in population databases (rs762111072, gnomAD 0.008%). This variant has not been reported in the literature in individuals affected with TERC-related conditions. ClinVar contains an entry for this variant (Variation ID: 242269). This variant is located within the conserved regions 4 and 5 (CR4-CR5) domain of the TERC RNA component, which is required for telomerase activity (PMID: 15082312, 21844345). In summary, the available evidence is currently insufficient to determine the role of this variant in disease. Therefore, it has been classified as a Variant of Uncertain Significance.

Blueprint Genetics
Classification: Uncertain significance. Last evaluated: 2021-10-01. Review status: criteria provided, single submitter. Criteria: ACMG Guidelines, 2015. Collection method: clinical testing. Allele origin: germline.

Literature cited by the submitters: PubMed 15082312 (cited by Labcorp Genetics (formerly Invitae), Labcorp); PubMed 21844345 (cited by Labcorp Genetics (formerly Invitae), Labcorp).

NC_000003.12:g.169764794G>A

Genes: TERC (telomerase RNA component; minus strand), LOC110806306 (telomerase RNA component (TERC) promoter; plus strand). Cytogenetic location: 3q26.2.
Variant type: single nucleotide variant.
Genome position: GRCh38 VCF-style: chr3-169764794-G-A. GRCh37 (hg19) VCF-style: chr3-169482582-G-A.
Identifiers: ClinVar variation 242269 (VCV000242269.8), dbSNP rs762111072, ClinGen allele CA2696803.